The following is an entry in ClinVar:

ClinVar aggregate classification (germline): Uncertain significance (1 of 4 stars; one submission).

Allele frequency attached by ClinVar (database versions not stated): ExAC 0.00002; gnomAD exomes 0.00002; gnomAD 0.00005; TOPMed 0.00005.
gnomAD v4.1: 18 of 1,613,488 alleles (0.0011%); highest among the groups gnomAD compares: Admixed American, 0.013%; no homozygotes.

Submission:

Labcorp Genetics (formerly Invitae), Labcorp
Classification: Uncertain significance. Last evaluated: 2021-09-10. Review status: criteria provided, single submitter. Criteria: Invitae Variant Classification Sherloc (09022015). Collection method: clinical testing. Allele origin: germline.
Comment: This sequence change replaces valine with methionine at codon 189 of the CLCN7 protein (p.Val189Met). The valine residue is moderately conserved and there is a small physicochemical difference between valine and methionine. This variant is present in population databases (rs764870423, ExAC 0.005%). This variant has not been reported in the literature in individuals affected with CLCN7-related conditions. Advanced modeling of protein sequence and biophysical properties (such as structural, functional, and spatial information, amino acid conservation, physicochemical variation, residue mobility, and thermodynamic stability) performed at Invitae indicates that this missense variant is not expected to disrupt CLCN7 protein function. In summary, the available evidence is currently insufficient to determine the role of this variant in disease. Therefore, it has been classified as a Variant of Uncertain Significance.

NM_001287.6(CLCN7):c.565G>A (p.Val189Met)

Gene: CLCN7 (chloride voltage-gated channel 7; minus strand). Cytogenetic location: 16p13.3.
Variant type: single nucleotide variant.
Coding change: c.565G>A on transcript NM_001287.6 (MANE Select); coding-DNA position 565, G replaced by A.
Protein change: p.Val189Met; replaces valine 189 with methionine.
Molecular consequence: missense variant.
Genome position (GRCh38, 1-based): chr16:1,460,447, C>T on the plus strand (G>A on the coding strand, the complement: CLCN7 is on the minus strand). VCF-style: chr16-1460447-C-T. GRCh37 (hg19) VCF-style: chr16-1510448-C-T.
Other names: c.493G>A, p.Val165Met (NM_001114331.3); short protein forms V165M, V189M.
Identifiers: ClinVar variation 1396240 (VCV001396240.6), dbSNP rs764870423, ClinGen allele CA7810724.